The following is an entry in ClinVar:

ClinVar aggregate classification (germline): Uncertain significance (1 of 4 stars; one submission).

Submission:

GeneDx
Classification: Uncertain significance. Last evaluated: 2025-07-21. Review status: criteria provided, single submitter. Criteria: GeneDx Variant Classification Process June 2021. Collection method: clinical testing. Allele origin: germline. Affected: yes.
Comment: Not observed at significant frequency in large population cohorts (gnomAD); In silico analysis supports that this missense variant has a deleterious effect on protein structure/function; Has not been previously published as pathogenic or benign to our knowledge

NM_013450.4(BAZ2B):c.209C>T (p.Pro70Leu)

Gene: BAZ2B (bromodomain adjacent to zinc finger domain 2B; minus strand). Cytogenetic location: 2q24.2.
Variant type: single nucleotide variant.
Coding change: c.209C>T on transcript NM_013450.4 (MANE Select); coding-DNA position 209, C replaced by T.
Protein change: p.Pro70Leu; replaces proline 70 with leucine.
Molecular consequence: missense variant. On other transcripts: intron variant (1).
Genome position (GRCh38, 1-based): chr2:159,453,738, G>A on the plus strand (C>T on the coding strand, the complement: BAZ2B is on the minus strand). VCF-style: chr2-159453738-G-A. GRCh37 (hg19) VCF-style: chr2-160310249-G-A.
Other names: c.209C>T, p.Pro70Leu (NM_001289975.1, NM_001329858.2); c.146-5329C>T (NM_001329857.2); short protein forms P70L.
Identifiers: ClinVar variation 4686879 (VCV004686879.1).